The following is an entry in ClinVar:

ClinVar aggregate classification (germline): Uncertain significance (1 of 4 stars; one submission).

Allele frequency attached by ClinVar (database versions not stated): TOPMed below 0.00001; gnomAD 0.00001.
gnomAD v4.1: 1 of 1,594,062 alleles (0.000063%); highest among the groups gnomAD compares: Non-Finnish European, 0.000086%; no homozygotes.

Submission:

Ambry Genetics
Classification: Uncertain significance. Last evaluated: 2024-07-28. Review status: criteria provided, single submitter. Criteria: Ambry Variant Classification Scheme 2023. Collection method: clinical testing. Allele origin: germline.
Comment: The p.K236T variant (also known as c.707A>C), located in coding exon 5 of the POLQ gene, results from an A to C substitution at nucleotide position 707. The lysine at codon 236 is replaced by threonine, an amino acid with similar properties. This amino acid position is conserved. In addition, the in silico prediction for this alteration is inconclusive. Since supporting evidence is limited at this time, the clinical significance of this alteration remains unclear.

NM_199420.4(POLQ):c.707A>C (p.Lys236Thr)

Gene: POLQ (DNA polymerase theta; minus strand). Cytogenetic location: 3q13.33.
Variant type: single nucleotide variant.
Coding change: c.707A>C on transcript NM_199420.4 (MANE Select); coding-DNA position 707, A replaced by C.
Protein change: p.Lys236Thr; replaces lysine 236 with threonine.
Molecular consequence: missense variant.
Genome position (GRCh38, 1-based): chr3:121,537,133, T>G on the plus strand (A>C on the coding strand, the complement: POLQ is on the minus strand). VCF-style: chr3-121537133-T-G. GRCh37 (hg19) VCF-style: chr3-121255980-T-G.
Other names: short protein forms K236T.
Identifiers: ClinVar variation 1757031 (VCV001757031.3), dbSNP rs1205082209, ClinGen allele CA354090461.
Genomic context (GRCh38, chr3:121,537,133, plus strand): 5'-AGGAACTCAGTTATTTCACGTACTTACCAAGATGCTGATTTCCGAGTAATATAGCAAATC[T>G]TGGTCAGCAAAAGTTCCAGCAGATACCCTCGGTGAGAGTCTCCCAGCATATGTAATTCAT-3'
Protein context (NP_955452.3, residues 226-246): RGYLLELLLT[Lys236Thr]ICYITRKSAS